The following is an entry in ClinVar:

ClinVar aggregate classification (germline): Uncertain significance (1 of 4 stars; one submission).

Conditions:
Polyglucosan body myopathy type 1 (PGBM1). Also called: POLYGLUCOSAN BODY MYOPATHY WITHOUT IMMUNODEFICIENCY; Polyglucosan body myopathy 1 with or without immunodeficiency. Identifiers: Orphanet 329173, Orphanet 397937, MedGen C4014605, MONDO:0014389, OMIM 615895.

Allele frequency attached by ClinVar (database versions not stated): gnomAD exomes below 0.00001; gnomAD 0.00001; TOPMed 0.00001.
gnomAD v4.1: 3 of 1,608,096 alleles (0.00019%); highest among the groups gnomAD compares: Non-Finnish European, 0.00025%; no homozygotes.

Submission:

Labcorp Genetics (formerly Invitae), Labcorp
Classification: Uncertain significance for Polyglucosan body myopathy type 1. Last evaluated: 2023-12-07. Review status: criteria provided, single submitter. Criteria: Invitae Variant Classification Sherloc (09022015). Collection method: clinical testing. Allele origin: germline.
Comment: This sequence change replaces proline, which is neutral and non-polar, with histidine, which is basic and polar, at codon 181 of the RBCK1 protein (p.Pro181His). This variant is not present in population databases (gnomAD no frequency). This variant has not been reported in the literature in individuals affected with RBCK1-related conditions. ClinVar contains an entry for this variant (Variation ID: 844313). Advanced modeling of protein sequence and biophysical properties (such as structural, functional, and spatial information, amino acid conservation, physicochemical variation, residue mobility, and thermodynamic stability) performed at Invitae indicates that this missense variant is not expected to disrupt RBCK1 protein function with a negative predictive value of 80%. In summary, the available evidence is currently insufficient to determine the role of this variant in disease. Therefore, it has been classified as a Variant of Uncertain Significance.

NM_031229.4(RBCK1):c.542C>A (p.Pro181His)

Gene: RBCK1 (RANBP2-type and C3HC4-type zinc finger containing 1; plus strand). Cytogenetic location: 20p13.
Variant type: single nucleotide variant.
Coding change: c.542C>A on transcript NM_031229.4 (MANE Select); coding-DNA position 542, C replaced by A.
Protein change: p.Pro181His; replaces proline 181 with histidine.
Molecular consequence: missense variant. On other transcripts: non-coding transcript variant (1).
Genome position (GRCh38, 1-based): chr20:419,428, C>A. VCF-style: chr20-419428-C-A. GRCh37 (hg19) VCF-style: chr20-400072-C-A.
Other names: c.193C>A, p.Pro65Thr (NM_001323956.2, NM_001323958.2); c.416C>A, p.Pro139His (NM_006462.6); short protein forms P181H, P65T, P139H.
Identifiers: ClinVar variation 844313 (VCV000844313.8), dbSNP rs952034182, ClinGen allele CA310619931.